The following is an entry in ClinVar:

ClinVar aggregate classification (germline): Uncertain significance. Review status: criteria provided, multiple submitters, no conflicts (2 of 4 stars). 4 submissions from 4 submitters: Uncertain significance (4). Last evaluated 2025-12-09.

Conditions:
Loeys-Dietz syndrome 2 (LDS2). Also called: TGFBR2-Related Loeys-Dietz Syndrome; AORTIC ANEURYSM, FAMILIAL THORACIC 3; MARFAN SYNDROME, TYPE II; Marfan Syndrome type 2; Marfan like connective tissue disorder; MFS 2. Identifiers: Orphanet 284973, Orphanet 558, MedGen C2674574, MONDO:0012427, OMIM 610168.

Allele frequency attached by ClinVar (database versions not stated): gnomAD exomes 0.00002 and 0.00001; gnomAD 0.00003; TOPMed 0.00005; ExAC 0.00001.

Submissions (4):

Labcorp Genetics (formerly Invitae), Labcorp
Classification: Uncertain significance for Loeys-Dietz syndrome 2. Last evaluated: 2025-12-09. Review status: criteria provided, single submitter. Criteria: Invitae Variant Classification Sherloc (09022015). Collection method: clinical testing. Allele origin: germline.
Comment: This sequence change replaces lysine, which is basic and polar, with glutamic acid, which is acidic and polar, at codon 500 of the TMPO protein (p.Lys500Glu). This variant is present in population databases (rs727505217, gnomAD 0.003%). This variant has not been reported in the literature in individuals affected with TMPO-related conditions. ClinVar contains an entry for this variant (Variation ID: 179913). Invitae Evidence Modeling of protein sequence and biophysical properties (such as structural, functional, and spatial information, amino acid conservation, physicochemical variation, residue mobility, and thermodynamic stability) indicates that this missense variant is not expected to disrupt TMPO protein function with a negative predictive value of 80%. In summary, the available evidence is currently insufficient to determine the role of this variant in disease. Therefore, it has been classified as a Variant of Uncertain Significance.

Ambry Genetics
Classification: Uncertain significance. Last evaluated: 2025-02-27. Review status: criteria provided, single submitter. Criteria: Ambry Variant Classification Scheme 2023. Collection method: clinical testing. Allele origin: germline.
Comment: The p.K500E variant (also known as c.1498A>G), located in coding exon 4 of the TMPO gene, results from an A to G substitution at nucleotide position 1498. The lysine at codon 500 is replaced by glutamic acid, an amino acid with similar properties. This amino acid position is highly conserved in available vertebrate species. In addition, the in silico prediction for this alteration is inconclusive. Since supporting evidence is limited at this time, the clinical significance of this alteration remains unclear.

Laboratory for Molecular Medicine, Mass General Brigham Personalized Medicine
Classification: Uncertain significance. Last evaluated: 2014-07-23. Review status: criteria provided, single submitter. Criteria: LMM Criteria. Collection method: clinical testing. Allele origin: germline. Observed: 1 variant allele.
Comment: The Lys500Glu variant in TMPO has not been previously reported in individuals wi th cardiomyopathy or in large population studies. Computational prediction tools and conservation analysis do not provide strong support for or against an impac t to the protein. In summary, the clinical significance of the Lys500Glu variant is uncertain.

Breakthrough Genomics
Classification: Uncertain significance. Review status: criteria provided, single submitter. Criteria: ACMG Guidelines, 2015. Collection method: not provided. Allele origin: germline. Inheritance: Unknown mechanism. Affected: yes.

NM_001032283.3(TMPO):c.565+1917A>G

Gene: TMPO (thymopoietin; plus strand). Cytogenetic location: 12q23.1.
Variant type: single nucleotide variant.
Coding change: c.565+1917A>G on transcript NM_001032283.3 (MANE Select); 1917 bases into the intron after coding-DNA position 565, A replaced by G.
Molecular consequence: intron variant. On other transcripts: missense variant (1).
Genome position (GRCh38, 1-based): chr12:98,533,755, A>G. VCF-style: chr12-98533755-A-G. GRCh37 (hg19) VCF-style: chr12-98927533-A-G.
Other names: c.1498A>G, p.Lys500Glu (NM_003276.2); c.565+1917A>G (NM_001307975.2, NM_001032284.3); short protein forms K500E.
Identifiers: ClinVar variation 179913 (VCV000179913.15), dbSNP rs727505217, ClinGen allele CA185414.
Genomic context (GRCh38, chr12:98,533,755, plus strand): 5'-TCACAGCATGATAAAATAGATGCCTCAGAACTATCTTTTCCCTTCCATGAATCTATTTTA[A>G]AAGTAATTGAAGAAGAATGGCAGCAAGTTGACAGGCAGCTGCCTTCACTGGCATGCAAAT-3'